The following is an entry in ClinVar:

NM_002047.4(GARS1):c.1235G>A (p.Arg412His)

Gene: GARS1 (glycyl-tRNA synthetase 1; plus strand). Cytogenetic location: 7p14.3.
Variant type: single nucleotide variant.
Coding change: c.1235G>A on transcript NM_002047.4 (MANE Select); coding-DNA position 1235, G replaced by A.
Protein change: p.Arg412His; replaces arginine 412 with histidine.
Molecular consequence: missense variant.
Genome position (GRCh38, 1-based): chr7:30,617,154, G>A. VCF-style: chr7-30617154-G-A. GRCh37 (hg19) VCF-style: chr7-30656770-G-A.
Other names: c.1073G>A, p.Arg358His (NM_001316772.1); short protein forms R358H, R412H.
Identifiers: ClinVar variation 1939897 (VCV001939897.6), dbSNP rs1013921090, ClinGen allele CA156053035.

ClinVar aggregate classification (germline): Uncertain significance. Review status: criteria provided, multiple submitters, no conflicts (2 of 4 stars). 2 submissions from 2 submitters: Uncertain significance (2). Last evaluated 2023-12-14.

Conditions:
Charcot-Marie-Tooth disease type 2. Also called: Charcot-Marie-Tooth type 2. Identifiers: Orphanet 64746, MedGen C0270914, MONDO:0018993.

Allele frequency attached by ClinVar (database versions not stated): gnomAD exomes below 0.00001; TOPMed below 0.00001.

Submissions (2):

Ambry Genetics
Classification: Uncertain significance. Last evaluated: 2023-12-14. Review status: criteria provided, single submitter. Criteria: Ambry Variant Classification Scheme 2023. Collection method: clinical testing. Allele origin: germline.

Labcorp Genetics (formerly Invitae), Labcorp
Classification: Uncertain significance for Charcot-Marie-Tooth disease type 2. Last evaluated: 2022-02-23. Review status: criteria provided, single submitter. Criteria: Invitae Variant Classification Sherloc (09022015). Collection method: clinical testing. Allele origin: germline.
Comment: In summary, the available evidence is currently insufficient to determine the role of this variant in disease. Therefore, it has been classified as a Variant of Uncertain Significance. Algorithms developed to predict the effect of missense changes on protein structure and function (SIFT, PolyPhen-2, Align-GVGD) all suggest that this variant is likely to be disruptive. This variant has not been reported in the literature in individuals affected with GARS-related conditions. This variant is present in population databases (no rsID available, gnomAD 0.02%). This sequence change replaces arginine, which is basic and polar, with histidine, which is basic and polar, at codon 412 of the GARS protein (p.Arg412His).